The following is an entry in ClinVar:

NM_001077365.2(POMT1):c.1364del (p.Lys455fs)

Gene: POMT1 (protein O-mannosyltransferase 1; plus strand). Cytogenetic location: 9q34.13.
Variant type: Deletion.
Coding change: c.1364del on transcript NM_001077365.2 (MANE Select); coding-DNA position 1364, one base deleted (A; older notation c.1364delA).
Protein change: p.Lys455fs; shifts the reading frame from lysine 455.
Molecular consequence: frameshift variant. On other transcripts: non-coding transcript variant (10).
Genome position (GRCh38, 1-based): chr9:131,518,536, A deleted; the last of 3 consecutive A bases (chr9:131,518,534-131,518,536); deleting any one gives the same sequence. VCF-style (leftmost placement, unchanged base first): chr9-131518533-TA-T. GRCh37 (hg19) VCF-style: chr9-134393920-TA-T.
Other names: c.1202del, p.Lys401fs (NM_001077366.2, NM_001353194.2); c.1364del, p.Lys455fs (NM_001136113.2, NM_001374690.1); c.1013del, p.Lys338fs (NM_001136114.2, NM_001353195.2, NM_001374691.1 and 2 more transcripts); c.1430del, p.Lys477fs (NM_001353193.2, NM_007171.4); c.1274del, p.Lys425fs (NM_001353196.2); c.1268del, p.Lys423fs (NM_001353197.2, NM_001353198.2); c.1079del, p.Lys360fs (NM_001353199.2); c.1430del (NM_007171.3); and 3 more; short protein forms K451fs, K477fs, K360fs, K401fs, K423fs, K455fs, K303fs, K325fs.
Identifiers: ClinVar variation 1453137 (VCV001453137.7), dbSNP rs1472946513, ClinGen allele CA2573144013.

ClinVar aggregate classification (germline): Pathogenic/Likely pathogenic. Review status: criteria provided, multiple submitters, no conflicts (2 of 4 stars). 2 submissions from 2 submitters: Pathogenic (1); Likely pathogenic (1). Last evaluated 2025-07-14.

Conditions:
Autosomal recessive limb-girdle muscular dystrophy type 2K. Also called: MUSCULAR DYSTROPHY-DYSTROGLYCANOPATHY (LIMB-GIRDLE), TYPE C, 1; MUSCULAR DYSTROPHY, LIMB-GIRDLE, TYPE 2K. Identifiers: Orphanet 86812, MedGen C1836373, MONDO:0012248, OMIM 609308.
Muscular dystrophy-dystroglycanopathy (congenital with impaired intellectual development), type B, 1. Also called: Muscular dystrophy-dystroglycanopathy (congenital with intellectual disability), type B1; MUSCULAR DYSTROPHY, CONGENITAL, POMT1-RELATED. Identifiers: MedGen C5436962, MONDO:0013159, OMIM 613155.
Muscular dystrophy-dystroglycanopathy (congenital with brain and eye anomalies), type A1 (MDDGA1). Also called: COD-MD SYNDROME; Muscular dystrophy-dystroglycanopathy (congenital with brain and eye anomalies), type A, 1; WALKER-WARBURG SYNDROME OR MUSCLE-EYE-BRAIN DISEASE, POMT1-RELATED; Hydrocephalus, agyria and retinal dysplasia; Hard +/- E syndrome; Warburg syndrome. Identifiers: Orphanet 588, Orphanet 899, MedGen C4284790, MONDO:0009364, OMIM 236670.
Walker-Warburg congenital muscular dystrophy. Also called: Muscular dystrophy-dystroglycanopathy, type A; Walker-Warburg syndrome. Identifiers: Orphanet 899, MedGen C0265221, MONDO:0000171.

Submissions (2):

Labcorp Genetics (formerly Invitae), Labcorp
Classification: Pathogenic for Muscular dystrophy-dystroglycanopathy (congenital with impaired intellectual development), type B, 1; Walker-Warburg congenital muscular dystrophy; Autosomal recessive limb-girdle muscular dystrophy type 2K. Last evaluated: 2025-07-14. Review status: criteria provided, single submitter. Criteria: Invitae Variant Classification Sherloc (09022015). Collection method: clinical testing. Allele origin: germline.
Comment: This sequence change creates a premature translational stop signal (p.Lys477Serfs*2) in the POMT1 gene. It is expected to result in an absent or disrupted protein product. Loss-of-function variants in POMT1 are known to be pathogenic (PMID: 12369018, 15637732, 16575835). This variant is not present in population databases (gnomAD no frequency). This variant has not been reported in the literature in individuals affected with POMT1-related conditions. ClinVar contains an entry for this variant (Variation ID: 1453137). For these reasons, this variant has been classified as Pathogenic.

Fulgent Genetics
Classification: Likely pathogenic for Muscular dystrophy-dystroglycanopathy (congenital with brain and eye anomalies), type A1; Autosomal recessive limb-girdle muscular dystrophy type 2K; Muscular dystrophy-dystroglycanopathy (congenital with impaired intellectual development), type B, 1. Last evaluated: 2024-03-28. Review status: criteria provided, single submitter. Criteria: ACMG Guidelines, 2015. Collection method: clinical testing. Allele origin: germline.

Literature cited by the submitters: PubMed 12369018 (cited by Labcorp Genetics (formerly Invitae), Labcorp); PubMed 15637732 (cited by Labcorp Genetics (formerly Invitae), Labcorp); PubMed 16575835 (cited by Labcorp Genetics (formerly Invitae), Labcorp).